The following is an entry in ClinVar:

ClinVar aggregate classification (germline): Likely pathogenic (1 of 4 stars; one submission).

Conditions:
Carnitine deficiency. Identifiers: MedGen C1142132.

Submission:

Natera, Inc.
Classification: Likely pathogenic for Carnitine deficiency. Last evaluated: 2025-10-01. Review status: criteria provided, single submitter. Criteria: Natera Variant Classification Schema (03/2026). Collection method: clinical testing. Allele origin: germline.
Comment: The c.1014del variant in SLC22A5 is a frameshift variant predicted to shift the reading frame and introduce a stop codon. This variant is expected to result in nonsense mediated decay, truncation, or a dysfunctional protein product. This variant is rare in the general population with a frequency below the threshold expected for the associated phenotype(s). Given the available evidence, this variant is classified as Likely Pathogenic.

NM_003060.4(SLC22A5):c.1014del (p.Thr337_Trp338insTer)

Gene: SLC22A5 (solute carrier family 22 member 5; plus strand). Cytogenetic location: 5q31.1.
Variant type: Deletion.
Coding change: c.1014del on transcript NM_003060.4 (MANE Select); coding-DNA position 1014, one base deleted (G; older notation c.1014delG).
Protein change: p.Thr337_Trp338insTer.
Molecular consequence: nonsense.
Genome position (GRCh38, 1-based): chr5:132,388,983, G deleted; the last of 2 consecutive G bases (chr5:132,388,982-132,388,983); deleting either gives the same sequence. VCF-style (leftmost placement, unchanged base first): chr5-132388981-TG-T. GRCh37 (hg19) VCF-style: chr5-131724673-TG-T.
Other names: c.1086del, p.Thr361_Trp362insTer (NM_001308122.2).
Identifiers: ClinVar variation 4815085 (VCV004815085.1).
Genomic context (GRCh38, chr5:132,388,981, plus strand): 5'-TTACAAGACCTAAGTTCCAAGAAGCAGCAGTCCCACAACATTCTGGATCTGCTTCGAACC[TG>T]GAATATCCGGATGGTCACCATCATGTCCATAATGCTGTGGTATGTAAAAGAGACCTGCCT-3'